The following is an entry in ClinVar:

NM_001375524.1(TRRAP):c.8188A>C (p.Ile2730Leu)

Gene: TRRAP (transformation/transcription domain associated protein; plus strand). Cytogenetic location: 7q22.1.
Variant type: single nucleotide variant.
Coding change: c.8188A>C on transcript NM_001375524.1 (MANE Select); coding-DNA position 8188, A replaced by C.
Protein change: p.Ile2730Leu; replaces isoleucine 2730 with leucine.
Molecular consequence: missense variant.
Genome position (GRCh38, 1-based): chr7:98,976,711, A>C. VCF-style: chr7-98976711-A-C. GRCh37 (hg19) VCF-style: chr7-98574334-A-C.
Other names: c.8167A>C, p.Ile2723Leu (NM_001244580.2); c.8113A>C, p.Ile2705Leu (NM_003496.4); short protein forms I2723L, I2705L, I2730L.
Identifiers: ClinVar variation 4722737 (VCV004722737.1).

ClinVar aggregate classification (germline): Uncertain significance (1 of 4 stars; one submission).

Submission:

Labcorp Genetics (formerly Invitae), Labcorp
Classification: Uncertain significance. Last evaluated: 2025-07-06. Review status: criteria provided, single submitter. Criteria: Invitae Variant Classification Sherloc (09022015). Collection method: clinical testing. Allele origin: germline.
Comment: This sequence change replaces isoleucine, which is neutral and non-polar, with leucine, which is neutral and non-polar, at codon 2705 of the TRRAP protein (p.Ile2705Leu). This variant is not present in population databases (gnomAD no frequency). This variant has not been reported in the literature in individuals affected with TRRAP-related conditions. An algorithm developed to predict the effect of missense changes on protein structure and function (PolyPhen-2) suggests that this variant is likely to be tolerated. In summary, the available evidence is currently insufficient to determine the role of this variant in disease. Therefore, it has been classified as a Variant of Uncertain Significance.